The following is an entry in ClinVar:

ClinVar aggregate classification (germline): Uncertain significance (1 of 4 stars; one submission).

gnomAD v4.1: 15 of 1,613,330 alleles (0.00093%); highest among the groups gnomAD compares: South Asian, 0.015%; no homozygotes.

Submission:

Labcorp Genetics (formerly Invitae), Labcorp
Classification: Uncertain significance. Last evaluated: 2024-05-29. Review status: criteria provided, single submitter. Criteria: Invitae Variant Classification Sherloc (09022015). Collection method: clinical testing. Allele origin: germline.
Comment: This sequence change replaces proline, which is neutral and non-polar, with leucine, which is neutral and non-polar, at codon 737 of the ROR2 protein (p.Pro737Leu). This variant is present in population databases (rs760076090, gnomAD 0.02%). This variant has not been reported in the literature in individuals affected with ROR2-related conditions. Advanced modeling of protein sequence and biophysical properties (such as structural, functional, and spatial information, amino acid conservation, physicochemical variation, residue mobility, and thermodynamic stability) performed at Invitae indicates that this missense variant is expected to disrupt ROR2 protein function with a positive predictive value of 80%. In summary, the available evidence is currently insufficient to determine the role of this variant in disease. Therefore, it has been classified as a Variant of Uncertain Significance.

NM_004560.4(ROR2):c.2210C>T (p.Pro737Leu)

Gene: ROR2 (receptor tyrosine kinase like orphan receptor 2; minus strand). Cytogenetic location: 9q22.31.
Variant type: single nucleotide variant.
Coding change: c.2210C>T on transcript NM_004560.4 (MANE Select); coding-DNA position 2210, C replaced by T.
Protein change: p.Pro737Leu; replaces proline 737 with leucine.
Molecular consequence: missense variant.
Genome position (GRCh38, 1-based): chr9:91,724,284, G>A on the plus strand (C>T on the coding strand, the complement: ROR2 is on the minus strand). VCF-style: chr9-91724284-G-A. GRCh37 (hg19) VCF-style: chr9-94486566-G-A.
Other names: short protein forms P737L.
Identifiers: ClinVar variation 3615176 (VCV003615176.2).